The following is an entry in ClinVar:

ClinVar aggregate classification (germline): Uncertain significance (1 of 4 stars; one submission).

Conditions:
Cardiovascular phenotype. Identifiers: MedGen CN230736.

Submission:

Ambry Genetics
Classification: Uncertain significance for Cardiovascular phenotype. Last evaluated: 2026-06-22. Review status: criteria provided, single submitter. Criteria: Ambry Variant Classification Scheme 2023. Collection method: clinical testing. Allele origin: germline.
Comment: The p.I116V variant (also known as c.346A>G), located in coding exon 3 of the SPRED1 gene, results from an A to G substitution at nucleotide position 346. The isoleucine at codon 116 is replaced by valine, an amino acid with highly similar properties. This amino acid position is conserved. In addition, the in silico prediction for this alteration is inconclusive. Based on the available evidence, the clinical significance of this variant remains unclear.

NM_152594.3(SPRED1):c.346A>G (p.Ile116Val)

Gene: SPRED1 (sprouty related EVH1 domain containing 1; plus strand). Cytogenetic location: 15q14.
Variant type: single nucleotide variant.
Coding change: c.346A>G on transcript NM_152594.3 (MANE Select); coding-DNA position 346, A replaced by G.
Protein change: p.Ile116Val; replaces isoleucine 116 with valine.
Molecular consequence: missense variant.
Genome position (GRCh38, 1-based): chr15:38,322,379, A>G. VCF-style: chr15-38322379-A-G. GRCh37 (hg19) VCF-style: chr15-38614580-A-G.
Other names: short protein forms I116V.
Identifiers: ClinVar variation 5030103 (VCV005030103.1).